The following is an entry in ClinVar:

NM_000038.6(APC):c.1705G>A (p.Val569Met)

Gene: APC (APC regulator of Wnt signaling pathway; plus strand). Cytogenetic location: 5q22.2.
Variant type: single nucleotide variant.
Coding change: c.1705G>A on transcript NM_000038.6 (MANE Select); coding-DNA position 1705, G replaced by A.
Protein change: p.Val569Met; replaces valine 569 with methionine.
Molecular consequence: missense variant.
Genome position (GRCh38, 1-based): chr5:112,828,934, G>A. VCF-style: chr5-112828934-G-A. GRCh37 (hg19) VCF-style: chr5-112164631-G-A.
Other names: c.1705G>A, p.Val569Met (NM_001127510.3, NM_001354895.2); c.1651G>A, p.Val551Met (NM_001127511.3); c.1759G>A, p.Val587Met (NM_001354896.2); c.1735G>A, p.Val579Met (NM_001354897.2); c.1630G>A, p.Val544Met (NM_001354898.2); c.1621G>A, p.Val541Met (NM_001354899.2); c.1582G>A, p.Val528Met (NM_001354900.2); c.1528G>A, p.Val510Met (NM_001354901.2); and 5 more; short protein forms V551M, V569M, V409M, V443M, V468M, V478M, V528M, V541M.
Identifiers: ClinVar variation 230127 (VCV000230127.22), dbSNP rs876658405, ClinGen allele CA10578323.
Genomic context (GRCh38, chr5:112,828,934, plus strand): 5'-AGGAATTTGTCTTGGCGAGCAGATGTAAATAGTAAAAAGACGTTGCGAGAAGTTGGAAGT[G>A]TGAAAGCATTGATGGAATGTGCTTTAGAAGTTAAAAAGGTACCTTTGAAAACATTTAGTA-3'
Protein context (NP_000029.2, residues 559-579): SKKTLREVGS[Val569Met]KALMECALEV

ClinVar aggregate classification (germline): Uncertain significance. Review status: criteria provided, multiple submitters, no conflicts (2 of 4 stars). 5 submissions from 5 submitters: Uncertain significance (5). Last evaluated 2026-01-05.

Conditions:
Classic or attenuated familial adenomatous polyposis. Identifiers: MedGen CN372698, MONDO:0021057.
Hereditary cancer-predisposing syndrome. Also called: Hereditary neoplastic syndrome; Hereditary Cancer Syndrome; Neoplastic Syndromes, Hereditary; Tumor predisposition. Identifiers: Orphanet 140162, MedGen C0027672, MeSH D009386, MONDO:0015356.
Familial adenomatous polyposis 1 (FAP1). Also called: FAMILIAL ADENOMATOUS POLYPOSIS 1, ATTENUATED; POLYPOSIS, ADENOMATOUS INTESTINAL. Identifiers: MedGen C2713442, MONDO:0021056, OMIM 175100. Disease mechanism: loss of function.

Allele frequency attached by ClinVar (database versions not stated): gnomAD exomes below 0.00001; gnomAD 0.00001.
gnomAD v4.1: 2 of 1,613,808 alleles (0.00012%); highest among the groups gnomAD compares: Middle Eastern, 0.017%; no homozygotes.

Submissions (5):

Labcorp Genetics (formerly Invitae), Labcorp
Classification: Uncertain significance for Familial adenomatous polyposis 1. Last evaluated: 2026-01-05. Review status: criteria provided, single submitter. Criteria: Invitae Variant Classification Sherloc (09022015). Collection method: clinical testing. Allele origin: germline.
Comment: This sequence change replaces valine, which is neutral and non-polar, with methionine, which is neutral and non-polar, at codon 569 of the APC protein (p.Val569Met). This variant is not present in population databases (gnomAD no frequency). This missense change has been observed in individual(s) with clinical features of familial adenomatous polyposis (PMID: 23159591). ClinVar contains an entry for this variant (Variation ID: 230127). Invitae Evidence Modeling of protein sequence and biophysical properties (such as structural, functional, and spatial information, amino acid conservation, physicochemical variation, residue mobility, and thermodynamic stability) indicates that this missense variant is not expected to disrupt APC protein function with a negative predictive value of 95%. In summary, the available evidence is currently insufficient to determine the role of this variant in disease. Therefore, it has been classified as a Variant of Uncertain Significance.

Ambry Genetics
Classification: Uncertain significance for Hereditary cancer-predisposing syndrome. Last evaluated: 2025-12-13. Review status: criteria provided, single submitter. Criteria: Ambry Variant Classification Scheme 2023. Collection method: clinical testing. Allele origin: germline.
Comment: The p.V569M variant (also known as c.1705G>A), located in coding exon 13 of the APC gene, results from a G to A substitution at nucleotide position 1705. The valine at codon 569 is replaced by methionine, an amino acid with highly similar properties. This amino acid position is highly conserved in available vertebrate species. In addition, in silico predictors for this gene do not accurately predict pathogenicity. Since supporting evidence is limited at this time, the clinical significance of this alteration remains unclear.

All of Us Research Program, National Institutes of Health
Classification: Uncertain significance for Classic or attenuated familial adenomatous polyposis. Last evaluated: 2024-07-10. Review status: criteria provided, single submitter. Criteria: ACMG Guidelines, 2015. Collection method: clinical testing. Allele origin: germline. Inheritance: Autosomal dominant inheritance. Observed: 2 variant alleles, 2 heterozygotes.
Comment: This missense variant replaces valine with methionine at codon 569 of the APC protein. Computational prediction suggests that this variant may not impact protein structure and function (internally defined REVEL score threshold <= 0.5, PMID: 27666373). To our knowledge, functional studies have not been reported for this variant. This variant has been reported in an individual undergoing testing for familial adenomatous polyps (PMID: 23159591). This variant has not been identified in the general population by the Genome Aggregation Database (gnomAD). The available evidence is insufficient to determine the role of this variant in disease conclusively. Therefore, this variant is classified as a Variant of Uncertain Significance.

This study involves interpretation of variants in research participants for the purpose of population health screening. Participant phenotype was not available at the time of variant classification. Additional details can be found in publication PMID: 35346344, PMCID: PMC8962531

Color Diagnostics, LLC DBA Color Health
Classification: Uncertain significance for Hereditary cancer-predisposing syndrome. Last evaluated: 2024-04-24. Review status: criteria provided, single submitter. Criteria: ACMG Guidelines, 2015. Collection method: clinical testing. Allele origin: germline.
Comment: This missense variant replaces valine with methionine at codon 569 of the APC protein. Computational prediction suggests that this variant may not impact protein structure and function (internally defined REVEL score threshold <= 0.5, PMID: 27666373). To our knowledge, functional studies have not been reported for this variant. This variant has been reported in an individual undergoing testing for familial adenomatous polyps (PMID: 23159591). This variant has not been identified in the general population by the Genome Aggregation Database (gnomAD). The available evidence is insufficient to determine the role of this variant in disease conclusively. Therefore, this variant is classified as a Variant of Uncertain Significance.

Baylor Genetics
Classification: Uncertain significance for Familial adenomatous polyposis 1. Last evaluated: 2023-08-06. Review status: criteria provided, single submitter. Criteria: ACMG Guidelines, 2015. Collection method: clinical testing. Allele origin: unknown.

Literature cited by the submitters: PubMed 23159591 (cited by 4 submitters); PubMed 27930734 (cited by Ambry Genetics).